The following is an entry in ClinVar:

NM_016507.4(CDK12):c.4055A>T (p.Asp1352Val)

Gene: CDK12 (cyclin dependent kinase 12; plus strand). Cytogenetic location: 17q12.
Variant type: single nucleotide variant.
Coding change: c.4055A>T on transcript NM_016507.4 (MANE Select); coding-DNA position 4055, A replaced by T.
Protein change: p.Asp1352Val; replaces aspartic acid 1352 with valine.
Molecular consequence: missense variant.
Genome position (GRCh38, 1-based): chr17:39,530,898, A>T. VCF-style: chr17-39530898-A-T. GRCh37 (hg19) VCF-style: chr17-37687151-A-T.
Other names: c.4028A>T, p.Asp1343Val (NM_015083.4); short protein forms D1343V, D1352V.
Identifiers: ClinVar variation 3830796 (VCV003830796.1).

ClinVar aggregate classification (germline): Uncertain significance (1 of 4 stars; one submission).

Submission:

Ambry Genetics
Classification: Uncertain significance. Last evaluated: 2025-03-14. Review status: criteria provided, single submitter. Criteria: Ambry Variant Classification Scheme 2023. Collection method: clinical testing. Allele origin: germline.
Comment: The p.D1352V variant (also known as c.4055A>T), located in coding exon 14 of the CDK12 gene, results from an A to T substitution at nucleotide position 4055. The aspartic acid at codon 1352 is replaced by valine, an amino acid with highly dissimilar properties. This amino acid position is conserved. In addition, the in silico prediction for this alteration is inconclusive. Based on the available evidence, the clinical significance of this variant remains unclear.